The following is an entry in ClinVar:

NM_003098.3(SNTA1):c.210G>T (p.Pro70=)

Gene: SNTA1 (syntrophin alpha 1; minus strand). Cytogenetic location: 20q11.21.
Variant type: single nucleotide variant.
Coding change: c.210G>T on transcript NM_003098.3 (MANE Select); coding-DNA position 210, G replaced by T.
Protein change: p.Pro70=; no amino-acid change (proline 70 retained).
Molecular consequence: synonymous variant.
Genome position (GRCh38, 1-based): chr20:33,443,411, C>A on the plus strand (G>T on the coding strand, the complement: SNTA1 is on the minus strand). VCF-style: chr20-33443411-C-A. GRCh37 (hg19) VCF-style: chr20-32031217-C-A.
Identifiers: ClinVar variation 1195792 (VCV001195792.8), dbSNP rs751651742, ClinGen allele CA313278986.

ClinVar aggregate classification (germline): Likely benign. Review status: criteria provided, multiple submitters, no conflicts (2 of 4 stars). 3 submissions from 3 submitters: Likely benign (3). Last evaluated 2025-06-16.

Conditions:
Cardiovascular phenotype. Identifiers: MedGen CN230736.
Long QT syndrome (LQTS). Identifiers: MedGen C0023976, MeSH D008133, MONDO:0002442. Disease mechanism: loss of function. Inheritance: Various modes of inheritance.

gnomAD v4.1: 42 of 1,340,886 alleles (0.0031%); highest among the groups gnomAD compares: Non-Finnish European, 0.0038%; no homozygotes.

Submissions (3):

Labcorp Genetics (formerly Invitae), Labcorp
Classification: Likely benign for Long QT syndrome. Last evaluated: 2025-06-16. Review status: criteria provided, single submitter. Criteria: Invitae Variant Classification Sherloc (09022015). Collection method: clinical testing. Allele origin: germline.

Ambry Genetics
Classification: Likely benign for Cardiovascular phenotype. Last evaluated: 2024-10-28. Review status: criteria provided, single submitter. Criteria: Ambry Variant Classification Scheme 2023. Collection method: clinical testing. Allele origin: germline.

GeneDx
Classification: Likely benign. Last evaluated: 2020-12-28. Review status: criteria provided, single submitter. Criteria: GeneDx Variant Classification Process June 2021. Collection method: clinical testing. Allele origin: germline. Affected: yes.
Comment: Not observed in large population cohorts (Lek et al., 2016)